The following is an entry in ClinVar:

ClinVar aggregate classification (germline): Uncertain significance. Review status: criteria provided, multiple submitters, no conflicts (2 of 4 stars). 2 submissions from 2 submitters: Uncertain significance (2). Last evaluated 2025-06-08.

Conditions:
Inborn genetic diseases. Identifiers: MedGen C0950123, MeSH D030342.

gnomAD v4.1: 37 of 1,613,308 alleles (0.0023%); highest among the groups gnomAD compares: African/African-American, 0.004%; no homozygotes.

Submissions (2):

Ambry Genetics
Classification: Uncertain significance for Inborn genetic diseases. Last evaluated: 2025-06-08. Review status: criteria provided, single submitter. Criteria: Ambry Variant Classification Scheme 2023. Collection method: clinical testing. Allele origin: germline.

CeGaT Center for Human Genetics Tuebingen
Classification: Uncertain significance. Last evaluated: 2024-09-01. Review status: criteria provided, single submitter. Criteria: CeGaT Center For Human Genetics Tuebingen Variant Classification Criteria Version 2. Collection method: clinical testing. Allele origin: germline. Affected: yes. Observed: 1 variant allele.
Comment: ALS2: PM2

NM_020919.4(ALS2):c.3646G>A (p.Glu1216Lys)

Gene: ALS2 (alsin Rho guanine nucleotide exchange factor ALS2; minus strand). Cytogenetic location: 2q33.1.
Variant type: single nucleotide variant.
Coding change: c.3646G>A on transcript NM_020919.4 (MANE Select); coding-DNA position 3646, G replaced by A.
Protein change: p.Glu1216Lys; replaces glutamic acid 1216 with lysine.
Molecular consequence: missense variant.
Genome position (GRCh38, 1-based): chr2:201,723,099, C>T on the plus strand (G>A on the coding strand, the complement: ALS2 is on the minus strand). VCF-style: chr2-201723099-C-T. GRCh37 (hg19) VCF-style: chr2-202587822-C-T.
Other names: c.3646G>A (NM_020919.3); c.3646G>A, p.Glu1216Lys (NM_001410975.1); short protein forms E1216K.
Identifiers: ClinVar variation 3389300 (VCV003389300.14).